The following is an entry in ClinVar:

ClinVar aggregate classification (germline): Uncertain significance (1 of 4 stars; one submission).

Conditions:
Cardiovascular phenotype. Identifiers: MedGen CN230736.

Submission:

Ambry Genetics
Classification: Uncertain significance for Cardiovascular phenotype. Last evaluated: 2025-09-07. Review status: criteria provided, single submitter. Criteria: Ambry Variant Classification Scheme 2023. Collection method: clinical testing. Allele origin: germline.
Comment: The p.E1423K variant (also known as c.4267G>A), located in coding exon 2 of the ZNF469 gene, results from a G to A substitution at nucleotide position 4267. The glutamic acid at codon 1423 is replaced by lysine, an amino acid with similar properties. This amino acid position is conserved. In addition, this alteration is predicted to be tolerated by in silico analysis. Based on the available evidence, the clinical significance of this variant remains unclear.

NM_001127464.1:c.4267G>A

Gene: ZNF469 (zinc finger protein 469; plus strand).
Variant type: single nucleotide variant.
Identifiers: ClinVar variation 4209237 (VCV004209237.1).